The following is an entry in ClinVar:

ClinVar aggregate classification (germline): Uncertain significance (1 of 4 stars; one submission).

Conditions:
Inborn genetic diseases. Identifiers: MedGen C0950123, MeSH D030342.

Submission:

Ambry Genetics
Classification: Uncertain significance for Inborn genetic diseases. Last evaluated: 2021-06-23. Review status: criteria provided, single submitter. Criteria: Ambry Variant Classification Scheme 2023. Collection method: clinical testing. Allele origin: germline.
Comment: The p.T458A variant (also known as c.1372A>G), located in coding exon 10 of the EPAS1 gene, results from an A to G substitution at nucleotide position 1372. The threonine at codon 458 is replaced by alanine, an amino acid with similar properties. This amino acid position is conserved. In addition, this alteration is predicted to be tolerated by in silico analysis. Since supporting evidence is limited at this time, the clinical significance of this alteration remains unclear.

NM_001430.5(EPAS1):c.1372A>G (p.Thr458Ala)

Gene: EPAS1 (endothelial PAS domain protein 1; plus strand). Cytogenetic location: 2p21.
Variant type: single nucleotide variant.
Coding change: c.1372A>G on transcript NM_001430.5 (MANE Select); coding-DNA position 1372, A replaced by G.
Protein change: p.Thr458Ala; replaces threonine 458 with alanine.
Molecular consequence: missense variant.
Genome position (GRCh38, 1-based): chr2:46,378,016, A>G. VCF-style: chr2-46378016-A-G. GRCh37 (hg19) VCF-style: chr2-46605155-A-G.
Other names: short protein forms T458A.
Identifiers: ClinVar variation 1771069 (VCV001771069.2), dbSNP rs2546473596, ClinGen allele CA346703946.
Genomic context (GRCh38, chr2:46,378,016, plus strand): 5'-TGGGCCACGGAGTTGAGGAGCCACAGCACCCAGAGCGAGGCTGGGAGCCTGCCTGCCTTC[A>G]CCGTGCCCCAGGCAGCTGCCCCGGGCAGCACCACCCCCAGTGCCACCAGCAGCAGCAGCA-3'
Protein context (NP_001421.2, residues 448-468): QSEAGSLPAF[Thr458Ala]VPQAAAPGST